The following is an entry in ClinVar:

ClinVar aggregate classification (germline): Likely benign (0 of 4 stars; one submission).

Conditions:
MECOM-related disorder. Also called: MECOM-related condition.

gnomAD v4.1: 4 of 1,613,948 alleles (0.00025%); highest among the groups gnomAD compares: Admixed American, 0.0017%; no homozygotes.

Submission:

PreventionGenetics, part of Exact Sciences
Classification: Likely benign for MECOM-related condition. Last evaluated: 2021-01-21. Review status: no assertion criteria provided. Collection method: clinical testing. Allele origin: germline.
Comment: This variant is classified as likely benign based on ACMG/AMP sequence variant interpretation guidelines (Richards et al. 2015 PMID: 25741868, with internal and published modifications).

NM_004991.4(MECOM):c.*1C>A

Gene: MECOM (MDS1 and EVI1 complex locus; minus strand). Cytogenetic location: 3q26.2.
Variant type: single nucleotide variant.
Coding change: c.*1C>A on transcript NM_004991.4 (MANE Select); 1 bases downstream of the stop codon, C replaced by A.
Molecular consequence: 3 prime UTR variant.
Genome position (GRCh38, 1-based): chr3:169,084,908, G>T on the plus strand (C>A on the coding strand, the complement: MECOM is on the minus strand). VCF-style: chr3-169084908-G-T. GRCh37 (hg19) VCF-style: chr3-168802696-G-T.
Other names: c.*1C>A (NM_001105077.4, NM_001105078.4, NM_001163999.2 and 12 more transcripts).
Identifiers: ClinVar variation 3031347 (VCV003031347.2), dbSNP rs370609194, ClinGen allele CA547928474.